The following is an entry in ClinVar:

ClinVar aggregate classification (germline): Uncertain significance (1 of 4 stars; one submission).

Conditions:
Osteogenesis imperfecta type I (OI1). Also called: Classic Non-deforming Osteogenesis Imperfecta with Blue Sclerae; OI, TYPE I; OSTEOGENESIS IMPERFECTA TARDA; OSTEOGENESIS IMPERFECTA WITH BLUE SCLERAE; Osteogenesis imperfecta type 1; Lobstein's Disease. Identifiers: Orphanet 216796, Orphanet 666, MedGen C0023931, MONDO:0008146, OMIM 166200. Disease mechanism: loss of function.

Submission:

Labcorp Genetics (formerly Invitae), Labcorp
Classification: Uncertain significance for Osteogenesis imperfecta type I. Last evaluated: 2023-10-05. Review status: criteria provided, single submitter. Criteria: Invitae Variant Classification Sherloc (09022015). Collection method: clinical testing. Allele origin: germline.
Comment: This sequence change replaces histidine, which is basic and polar, with arginine, which is basic and polar, at codon 1418 of the COL1A1 protein (p.His1418Arg). This variant is not present in population databases (gnomAD no frequency). This variant has not been reported in the literature in individuals affected with COL1A1-related conditions. Advanced modeling of protein sequence and biophysical properties (such as structural, functional, and spatial information, amino acid conservation, physicochemical variation, residue mobility, and thermodynamic stability) performed at Invitae indicates that this missense variant is not expected to disrupt COL1A1 protein function. In summary, the available evidence is currently insufficient to determine the role of this variant in disease. Therefore, it has been classified as a Variant of Uncertain Significance.

NM_000088.4(COL1A1):c.4253A>G (p.His1418Arg)

Gene: COL1A1 (collagen type I alpha 1 chain; minus strand). Cytogenetic location: 17q21.33.
Variant type: single nucleotide variant.
Coding change: c.4253A>G on transcript NM_000088.4 (MANE Select); coding-DNA position 4253, A replaced by G.
Protein change: p.His1418Arg; replaces histidine 1418 with arginine.
Molecular consequence: missense variant.
Genome position (GRCh38, 1-based): chr17:50,185,644, T>C on the plus strand (A>G on the coding strand, the complement: COL1A1 is on the minus strand). VCF-style: chr17-50185644-T-C. GRCh37 (hg19) VCF-style: chr17-48263005-T-C.
Other names: short protein forms H1418R.
Identifiers: ClinVar variation 2765761 (VCV002765761.3), dbSNP rs2509153784, ClinGen allele CA400190950.
Genomic context (GRCh38, chr17:50,185,644, plus strand): 5'-GGCAGGCGGGAGGTCTTGGTGGTTTTGTATTCAATCACTGTCTTGCCCCAGGCTCCGGTG[T>C]GACTCTGGGGTGGGGCGGAGACAACGGGAGGGGGCATTACCACGTGGGAGTGATGGAGAG-3'
Protein context (NP_000079.2, residues 1408-1428): YSVTVDGCTS[His1418Arg]TGAWGKTVIE